The following is an entry in ClinVar:

ClinVar aggregate classification (germline): Likely benign. Review status: criteria provided, multiple submitters, no conflicts (2 of 4 stars). 3 submissions from 3 submitters: Likely benign (2). 1 of the submissions does not count toward it. Last evaluated 2025-10-06.

Conditions:
CYFIP2-related disorder. Also called: CYFIP2-related condition.
Inborn genetic diseases. Identifiers: MedGen C0950123, MeSH D030342.

Allele frequency attached by ClinVar (database versions not stated): ExAC 0.00002; gnomAD exomes 0.00002 and 0.00003; gnomAD 0.00008 and 0.00009; TOPMed 0.00010.
gnomAD v4.1: 51 of 1,613,946 alleles (0.0032%); highest among the groups gnomAD compares: African/African-American, 0.04%; no homozygotes.

Submissions (3):

Ambry Genetics
Classification: Likely benign for Inborn genetic diseases. Last evaluated: 2025-10-06. Review status: criteria provided, single submitter. Criteria: Ambry Variant Classification Scheme 2023. Collection method: clinical testing. Allele origin: germline.

Labcorp Genetics (formerly Invitae), Labcorp
Classification: Likely benign. Last evaluated: 2025-08-04. Review status: criteria provided, single submitter. Criteria: Invitae Variant Classification Sherloc (09022015). Collection method: clinical testing. Allele origin: germline.

PreventionGenetics, part of Exact Sciences
Classification: Likely benign for CYFIP2-related condition. Last evaluated: 2019-04-17. Review status: no assertion criteria provided. Collection method: clinical testing. Allele origin: germline. Not counted in ClinVar's aggregate classification.
Comment: This variant is classified as likely benign based on ACMG/AMP sequence variant interpretation guidelines (Richards et al. 2015 PMID: 25741868, with internal and published modifications).

NM_001037333.3(CYFIP2):c.2973C>T (p.Asp991=)

Gene: CYFIP2 (cytoplasmic FMR1 interacting protein 2; plus strand). Cytogenetic location: 5q33.3.
Variant type: single nucleotide variant.
Coding change: c.2973C>T on transcript NM_001037333.3 (MANE Select); coding-DNA position 2973, C replaced by T.
Protein change: p.Asp991=; no amino-acid change (aspartic acid 991 retained).
Molecular consequence: synonymous variant.
Genome position (GRCh38, 1-based): chr5:157,361,532, C>T. VCF-style: chr5-157361532-C-T. GRCh37 (hg19) VCF-style: chr5-156788540-C-T.
Other names: c.3048C>T (NM_001291722.1); c.2895C>T, p.Asp965= (NM_001291721.2); c.3048C>T, p.Asp1016= (NM_001291722.2); c.2973C>T, p.Asp991= (NM_014376.4); c.2973C>T (NM_001037333.1).
Identifiers: ClinVar variation 1619700 (VCV001619700.11), dbSNP rs775531019, ClinGen allele CA3534179.